The following is an entry in ClinVar:

NM_000051.4(ATM):c.1421G>T (p.Ser474Ile)

Gene: ATM (ATM serine/threonine kinase; plus strand). Cytogenetic location: 11q22.3.
Variant type: single nucleotide variant.
Coding change: c.1421G>T on transcript NM_000051.4 (MANE Select); coding-DNA position 1421, G replaced by T.
Protein change: p.Ser474Ile; replaces serine 474 with isoleucine.
Molecular consequence: missense variant.
Genome position (GRCh38, 1-based): chr11:108,250,886, G>T. VCF-style: chr11-108250886-G-T. GRCh37 (hg19) VCF-style: chr11-108121613-G-T.
Other names: c.1421G>T, p.Ser474Ile (NM_001351834.2); short protein forms S474I.
Identifiers: ClinVar variation 231580 (VCV000231580.24), dbSNP rs876659240, ClinGen allele CA10579010.

ClinVar aggregate classification (germline): Uncertain significance. Review status: criteria provided, multiple submitters, no conflicts (2 of 4 stars). 5 submissions from 5 submitters: Uncertain significance (4). 1 of the submissions does not count toward it. Last evaluated 2025-12-19.

Conditions:
Hereditary cancer-predisposing syndrome. Also called: Hereditary Cancer Syndrome; Neoplastic Syndromes, Hereditary; Tumor predisposition; Hereditary neoplastic syndrome. Identifiers: Orphanet 140162, MedGen C0027672, MeSH D009386, MONDO:0015356.
Familial cancer of breast. Also called: Hereditary breast cancer; hereditary breast carcinoma; BREAST CANCER, FAMILIAL. Identifiers: Orphanet 227535, MedGen C0346153, MONDO:0016419, OMIM 114480. Disease mechanism: loss of function.
Ataxia-telangiectasia syndrome (AT). Also called: Ataxia telangiectasia (A-T); Ataxia-telangiectasia, complementation group E; LOUIS-BAR SYNDROME; Cerebello-oculocutaneous telangiectasia; Immunodeficiency with ataxia telangiectasia; Ataxia-telangiectasia, complementation group D. Identifiers: Orphanet 100, MedGen C0004135, MONDO:0008840, OMIM 208900.

Allele frequency attached by ClinVar (database versions not stated): TOPMed 0.00002.
gnomAD v4.1: 4 of 1,613,952 alleles (0.00025%); highest among the groups gnomAD compares: Admixed American, 0.005%; no homozygotes.

Submissions (5):

Labcorp Genetics (formerly Invitae), Labcorp
Classification: Uncertain significance for Ataxia-telangiectasia syndrome. Last evaluated: 2025-12-19. Review status: criteria provided, single submitter. Criteria: Invitae Variant Classification Sherloc (09022015). Collection method: clinical testing. Allele origin: germline.
Comment: This sequence change replaces serine, which is neutral and polar, with isoleucine, which is neutral and non-polar, at codon 474 of the ATM protein (p.Ser474Ile). This variant is present in population databases (no rsID available, gnomAD 0.006%). This variant has not been reported in the literature in individuals affected with ATM-related conditions. ClinVar contains an entry for this variant (Variation ID: 231580). Invitae Evidence Modeling of protein sequence and biophysical properties (such as structural, functional, and spatial information, amino acid conservation, physicochemical variation, residue mobility, and thermodynamic stability) indicates that this missense variant is not expected to disrupt ATM protein function with a negative predictive value of 95%. In summary, the available evidence is currently insufficient to determine the role of this variant in disease. Therefore, it has been classified as a Variant of Uncertain Significance.

Ambry Genetics
Classification: Uncertain significance for Hereditary cancer-predisposing syndrome. Last evaluated: 2024-05-12. Review status: criteria provided, single submitter. Criteria: Ambry Variant Classification Scheme 2023. Collection method: clinical testing. Allele origin: germline.
Comment: The p.S474I variant (also known as c.1421G>T), located in coding exon 9 of the ATM gene, results from a G to T substitution at nucleotide position 1421. The serine at codon 474 is replaced by isoleucine, an amino acid with dissimilar properties. This amino acid position is not well conserved in available vertebrate species. In addition, this alteration is predicted to be tolerated by in silico analysis. Since supporting evidence is limited at this time, the clinical significance of this alteration remains unclear.

Baylor Genetics
Classification: Uncertain significance for Familial cancer of breast. Last evaluated: 2023-10-23. Review status: criteria provided, single submitter. Criteria: ACMG Guidelines, 2015. Collection method: clinical testing. Allele origin: unknown.

GeneDx
Classification: Uncertain significance. Last evaluated: 2021-12-22. Review status: criteria provided, single submitter. Criteria: GeneDx Variant Classification Process June 2021. Collection method: clinical testing. Allele origin: germline. Affected: yes.
Comment: Not observed at significant frequency in large population cohorts (Lek 2016); In silico analysis supports that this missense variant does not alter protein structure/function; Has not been previously published as pathogenic or benign to our knowledge

Natera, Inc.
Classification: Uncertain significance for Ataxia-telangiectasia. Last evaluated: 2021-04-07. Review status: no assertion criteria provided. Collection method: clinical testing. Allele origin: germline. Not counted in ClinVar's aggregate classification.